The following is an entry in ClinVar:

NM_007215.4(POLG2):c.1155G>T (p.Leu385Phe)

Genes: MILR1 (mast cell immunoglobulin like receptor 1; plus strand), POLG2 (DNA polymerase gamma 2, accessory subunit; minus strand). Cytogenetic location: 17q23.3.
Variant type: single nucleotide variant.
Coding change: c.1155G>T on transcript NM_007215.4 (MANE Select); coding-DNA position 1155, G replaced by T.
Protein change: p.Leu385Phe; replaces leucine 385 with phenylalanine.
Molecular consequence: missense variant.
Genome position (GRCh38, 1-based): chr17:64,482,955, C>A on the plus strand (G>T on the coding strand, the complement: POLG2 is on the minus strand). VCF-style: chr17-64482955-C-A. GRCh37 (hg19) VCF-style: chr17-62479072-C-A.
Other names: short protein forms L385F.
Identifiers: ClinVar variation 4999685 (VCV004999685.1).

ClinVar aggregate classification (germline): Uncertain significance (1 of 4 stars; one submission).

Conditions:
POLG2-related disorder. Also called: POLG2-related condition; POLG2-related disorders.

Submission:

PreventionGenetics, part of Exact Sciences
Classification: Uncertain significance for POLG2-related condition. Last evaluated: 2024-10-17. Review status: criteria provided, single submitter. Criteria: ACMG Guidelines, 2015. Collection method: clinical testing. Allele origin: germline.
Comment: The POLG2 c.1155G>T variant is predicted to result in the amino acid substitution p.Leu385Phe. To our knowledge, this variant has not been reported in the literature or in a large population database (gnomAD), indicating this variant is rare. At this time, the clinical significance of this variant is uncertain due to the absence of conclusive functional and genetic evidence.